The following is an entry in ClinVar:

ClinVar aggregate classification (germline): Uncertain significance (1 of 4 stars; one submission).

Conditions:
Malignant hyperthermia, susceptibility to, 1 (MHS1). Also called: Anesthesia related hyperthermia; Malignant hyperpyrexia; Fulminating hyperpyrexia; Pharmacogenic myopathy; RYR1-Related Malignant Hyperthermia Susceptibility; Malignant hyperthermia suceptibility 1. Identifiers: Orphanet 423, MedGen C2930980, MONDO:0007783, OMIM 145600.

Submission:

All of Us Research Program, National Institutes of Health
Classification: Uncertain significance for Malignant hyperthermia, susceptibility to, 1. Last evaluated: 2023-12-01. Review status: criteria provided, single submitter. Criteria: ACMG Guidelines, 2015. Collection method: clinical testing. Allele origin: germline. Inheritance: Autosomal dominant inheritance. Observed: 1 variant allele, 1 heterozygote.
Comment: This study involves interpretation of variants in research participants for the purpose of population health screening. Participant phenotype was not available at the time of variant classification. Additional details can be found in publication PMID: 35346344, PMCID: PMC8962531

NM_000540.3(RYR1):c.7933A>C (p.Thr2645Pro)

Gene: RYR1 (ryanodine receptor 1; plus strand). Cytogenetic location: 19q13.2.
Variant type: single nucleotide variant.
Coding change: c.7933A>C on transcript NM_000540.3 (MANE Select); coding-DNA position 7933, A replaced by C.
Protein change: p.Thr2645Pro; replaces threonine 2645 with proline.
Molecular consequence: missense variant.
Genome position (GRCh38, 1-based): chr19:38,504,226, A>C. VCF-style: chr19-38504226-A-C. GRCh37 (hg19) VCF-style: chr19-38994866-A-C.
Other names: c.7933A>C, p.Thr2645Pro (NM_001042723.2); short protein forms T2645P.
Identifiers: ClinVar variation 3074215 (VCV003074215.1), dbSNP rs201754005, ClinGen allele CA405675379.